The following is an entry in ClinVar:

ClinVar aggregate classification (germline): Uncertain significance (1 of 4 stars; one submission).

Conditions:
Familial thoracic aortic aneurysm and aortic dissection (TAAD). Also called: Thoracic aortic aneurysms and dissections. Identifiers: Orphanet 91387, MedGen C4707243, MONDO:0019625.

Submission:

Ambry Genetics
Classification: Uncertain significance for Familial thoracic aortic aneurysm and aortic dissection. Last evaluated: 2024-03-19. Review status: criteria provided, single submitter. Criteria: Ambry Variant Classification Scheme 2023. Collection method: clinical testing. Allele origin: germline.
Comment: The p.R276T variant (also known as c.827G>C), located in coding exon 7 of the MYH11 gene, results from a G to C substitution at nucleotide position 827. The arginine at codon 276 is replaced by threonine, an amino acid with similar properties. This amino acid position is conserved. In addition, the in silico prediction for this alteration is inconclusive. Based on the available evidence, the clinical significance of this alteration remains unclear.

NM_002474.3(MYH11):c.827G>C (p.Arg276Thr)

Gene: MYH11 (myosin heavy chain 11; minus strand). Cytogenetic location: 16p13.11.
Variant type: single nucleotide variant.
Coding change: c.827G>C on transcript NM_002474.3 (MANE Select); coding-DNA position 827, G replaced by C.
Protein change: p.Arg276Thr; replaces arginine 276 with threonine.
Molecular consequence: missense variant.
Genome position (GRCh38, 1-based): chr16:15,776,140, C>G on the plus strand (G>C on the coding strand, the complement: MYH11 is on the minus strand). VCF-style: chr16-15776140-C-G. GRCh37 (hg19) VCF-style: chr16-15869997-C-G.
Other names: c.848G>C, p.Arg283Thr (NM_001040113.2, NM_001040114.2); c.827G>C, p.Arg276Thr (NM_022844.3); short protein forms R283T, R276T.
Identifiers: ClinVar variation 3297349 (VCV003297349.1).